The following is an entry in ClinVar:

NM_001042492.3(NF1):c.3456A>C (p.Leu1152Phe)

Gene: NF1 (neurofibromin 1; plus strand). Cytogenetic location: 17q11.2.
Variant type: single nucleotide variant.
Coding change: c.3456A>C on transcript NM_001042492.3 (MANE Select); coding-DNA position 3456, A replaced by C.
Protein change: p.Leu1152Phe; replaces leucine 1152 with phenylalanine.
Molecular consequence: missense variant.
Genome position (GRCh38, 1-based): chr17:31,232,841, A>C. VCF-style: chr17-31232841-A-C. GRCh37 (hg19) VCF-style: chr17-29559859-A-C.
Other names: c.3456A>C, p.Leu1152Phe (NM_000267.4); short protein forms L1152F.
Identifiers: ClinVar variation 1997271 (VCV001997271.4), dbSNP rs2151434775, ClinGen allele CA398989343.

ClinVar aggregate classification (germline): Uncertain significance (1 of 4 stars; one submission).

Conditions:
Neurofibromatosis, type 1 (NF1). Also called: Neurofibromatosis, type I; Peripheral type neurofibromatosis; NEUROFIBROMATOSIS, TYPE I, SOMATIC; VON RECKLINGHAUSEN DISEASE. Identifiers: Orphanet 636, MedGen C0027831, MONDO:0018975, OMIM 162200. Disease mechanism: loss of function.

Submission:

Labcorp Genetics (formerly Invitae), Labcorp
Classification: Uncertain significance for Neurofibromatosis, type 1. Last evaluated: 2023-06-29. Review status: criteria provided, single submitter. Criteria: Invitae Variant Classification Sherloc (09022015). Collection method: clinical testing. Allele origin: germline.
Comment: ClinVar contains an entry for this variant (Variation ID: 1997271). This sequence change replaces leucine, which is neutral and non-polar, with phenylalanine, which is neutral and non-polar, at codon 1152 of the NF1 protein (p.Leu1152Phe). This variant is not present in population databases (gnomAD no frequency). This variant has not been reported in the literature in individuals affected with NF1-related conditions. Advanced modeling of protein sequence and biophysical properties (such as structural, functional, and spatial information, amino acid conservation, physicochemical variation, residue mobility, and thermodynamic stability) performed at Invitae indicates that this missense variant is expected to disrupt NF1 protein function. In summary, the available evidence is currently insufficient to determine the role of this variant in disease. Therefore, it has been classified as a Variant of Uncertain Significance.